The following is an entry in ClinVar:

NM_001999.4(FBN2):c.3170G>A (p.Gly1057Asp)

Genes: FBN2 (fibrillin 2; minus strand), LOC126807501 (BRD4-independent group 4 enhancer GRCh37_chr5:127680731-127681930; plus strand). Cytogenetic location: 5q23.3.
Variant type: single nucleotide variant.
Coding change: c.3170G>A on transcript NM_001999.4 (MANE Select); coding-DNA position 3170, G replaced by A.
Protein change: p.Gly1057Asp; replaces glycine 1057 with aspartic acid.
Molecular consequence: missense variant.
Genome position (GRCh38, 1-based): chr5:128,345,404, C>T on the plus strand (G>A on the coding strand, the complement: FBN2 is on the minus strand). VCF-style: chr5-128345404-C-T. GRCh37 (hg19) VCF-style: chr5-127681096-C-T.
Other names: c.3170G>A (NM_001999.3); short protein forms G1057D.
Identifiers: ClinVar variation 3720651 (VCV003720651.3).
Genomic context (GRCh38, chr5:128,345,404, plus strand): 5'-CGCAGGCAGTTACCTTTGTAAAATGGCCGCCCAGTAAGAACATCCCCTCGGTTAGCAAAG[C>T]CAGCCCCGCGGGGGCACAGCGTCTCGTATTCCTTGGTGCCAGGTTTGGGGCACTCCTCAC-3'
Protein context (NP_001990.2, residues 1047-1067): EYETLCPRGA[Gly1057Asp]FANRGDVLTG

ClinVar aggregate classification (germline): Conflicting classifications of pathogenicity. Review status: criteria provided, conflicting classifications (1 of 4 stars). 2 submissions from 2 submitters: Likely pathogenic (1); Uncertain significance (1). Last evaluated 2025-06-16.

Conditions:
Congenital contractural arachnodactyly (CCA). Also called: Arthrogryposis, distal, type 9; BEALS SYNDROME; Beals-Hecht syndrome. Identifiers: Orphanet 115, MedGen C0220668, MONDO:0007363, OMIM 121050.

Submissions (2):

GeneDx
Classification: Likely pathogenic. Last evaluated: 2025-06-16. Review status: criteria provided, single submitter. Criteria: GeneDx Variant Classification Process June 2021. Collection method: clinical testing. Allele origin: germline. Affected: yes.
Comment: Not observed at significant frequency in large population cohorts (gnomAD); In silico analysis supports that this missense variant has a deleterious effect on protein structure/function; This variant is associated with the following publications: (PMID: 31316167, 9714438, 39310807)

Labcorp Genetics (formerly Invitae), Labcorp
Classification: Uncertain significance for Congenital contractural arachnodactyly. Last evaluated: 2024-06-19. Review status: criteria provided, single submitter. Criteria: Invitae Variant Classification Sherloc (09022015). Collection method: clinical testing. Allele origin: germline.
Comment: This sequence change replaces glycine, which is neutral and non-polar, with aspartic acid, which is acidic and polar, at codon 1057 of the FBN2 protein (p.Gly1057Asp). This variant is not present in population databases (gnomAD no frequency). This missense change has been observed in individual(s) with congenital contractural arachnodactyly (PMID: 9714438, 31316167). This variant is also known as G1056D. Advanced modeling of protein sequence and biophysical properties (such as structural, functional, and spatial information, amino acid conservation, physicochemical variation, residue mobility, and thermodynamic stability) performed at Invitae indicates that this missense variant is expected to disrupt FBN2 protein function with a positive predictive value of 80%. In summary, the available evidence is currently insufficient to determine the role of this variant in disease. Therefore, it has been classified as a Variant of Uncertain Significance.

Literature cited by the submitters: PubMed 9714438 (cited by Labcorp Genetics (formerly Invitae), Labcorp); PubMed 31316167 (cited by Labcorp Genetics (formerly Invitae), Labcorp).